The following is an entry in ClinVar:

NM_000360.4(TH):c.594G>A (p.Val198=)

Gene: TH (tyrosine hydroxylase; minus strand). Cytogenetic location: 11p15.5.
Variant type: single nucleotide variant.
Coding change: c.594G>A on transcript NM_000360.4 (MANE Select); coding-DNA position 594, G replaced by A.
Protein change: p.Val198=; no amino-acid change (valine 198 retained).
Molecular consequence: synonymous variant.
Genome position (GRCh38, 1-based): chr11:2,167,916, C>T on the plus strand (G>A on the coding strand, the complement: TH is on the minus strand). VCF-style: chr11-2167916-C-T. GRCh37 (hg19) VCF-style: chr11-2189146-C-T.
Other names: c.606G>A, p.Val202= (NM_001440535.1, NM_001440536.1); c.594G>A, p.Val198= (NM_001440537.1); c.687G>A, p.Val229= (NM_199292.3); c.675G>A, p.Val225= (NM_199293.3).
Identifiers: ClinVar variation 4999198 (VCV004999198.1).

ClinVar aggregate classification (germline): Uncertain significance (1 of 4 stars; one submission).

Conditions:
TH-related disorder. Also called: TH-related condition.

gnomAD v4.1: 6 of 1,611,532 alleles (0.00037%); highest among the groups gnomAD compares: Admixed American, 0.0033%; no homozygotes.

Submission:

PreventionGenetics, part of Exact Sciences
Classification: Uncertain significance for TH-related condition. Last evaluated: 2025-11-19. Review status: criteria provided, single submitter. Criteria: ACMG Guidelines, 2015. Collection method: clinical testing. Allele origin: germline.
Comment: The TH c.687G>A variant is not predicted to result in an amino acid change (p.=). To our knowledge, this variant has not been reported in the literature. This variant is reported in 0.0058% of alleles in individuals of Latino descent in gnomAD. Although we suspect that this variant may be benign, at this time, the clinical significance of this variant is uncertain due to the absence of conclusive functional and genetic evidence.